The following is an entry in ClinVar:

ClinVar aggregate classification (germline): Uncertain significance (1 of 4 stars; one submission).

Allele frequency attached by ClinVar (database versions not stated): gnomAD exomes 0.00001.
gnomAD v4.1: 9 of 1,614,142 alleles (0.00056%); highest among the groups gnomAD compares: Non-Finnish European, 0.00076%; no homozygotes.

Submission:

Labcorp Genetics (formerly Invitae), Labcorp
Classification: Uncertain significance. Last evaluated: 2021-12-03. Review status: criteria provided, single submitter. Criteria: Invitae Variant Classification Sherloc (09022015). Collection method: clinical testing. Allele origin: germline.
Comment: This sequence change replaces leucine, which is neutral and non-polar, with valine, which is neutral and non-polar, at codon 202 of the MRPL44 protein (p.Leu202Val). This variant is not present in population databases (gnomAD no frequency). This variant has not been reported in the literature in individuals affected with MRPL44-related conditions. Algorithms developed to predict the effect of missense changes on protein structure and function are either unavailable or do not agree on the potential impact of this missense change (SIFT: "Tolerated"; PolyPhen-2: "Possibly Damaging"; Align-GVGD: "Class C0"). In summary, the available evidence is currently insufficient to determine the role of this variant in disease. Therefore, it has been classified as a Variant of Uncertain Significance.

NM_022915.5(MRPL44):c.604C>G (p.Leu202Val)

Gene: MRPL44 (mitochondrial ribosomal protein L44; plus strand). Cytogenetic location: 2q36.1.
Variant type: single nucleotide variant.
Coding change: c.604C>G on transcript NM_022915.5 (MANE Select); coding-DNA position 604, C replaced by G.
Protein change: p.Leu202Val; replaces leucine 202 with valine.
Molecular consequence: missense variant.
Genome position (GRCh38, 1-based): chr2:223,959,958, C>G. VCF-style: chr2-223959958-C-G. GRCh37 (hg19) VCF-style: chr2-224824675-C-G.
Other names: short protein forms L202V.
Identifiers: ClinVar variation 1424017 (VCV001424017.5), dbSNP rs2106116777, ClinGen allele CA350807368.